The following is an entry in ClinVar:

ClinVar aggregate classification (germline): Uncertain significance. Review status: criteria provided, single submitter (1 of 4 stars). 2 submissions from 2 submitters: Uncertain significance (1). 1 of the submissions does not count toward it. Last evaluated 2022-08-15.

Conditions:
Zellweger spectrum disorders (ZS). Also called: Zellweger syndrome; Zellweger Spectrum Disorder; Zellweger Spectrum; Zellweger Spectrum Disorder (ZSD). Identifiers: Orphanet 912, MedGen C0043459, MONDO:0019609.

Allele frequency attached by ClinVar (database versions not stated): gnomAD exomes below 0.00001 and 0.00001; ExAC 0.00001; gnomAD 0.00001.
gnomAD v4.1: 5 of 1,613,920 alleles (0.00031%); highest among the groups gnomAD compares: Admixed American, 0.0017%; no homozygotes.

Submissions (3):

Labcorp Genetics (formerly Invitae), Labcorp
Classification: Uncertain significance for Zellweger spectrum disorders. Last evaluated: 2022-08-15. Review status: criteria provided, single submitter. Criteria: Invitae Variant Classification Sherloc (09022015). Collection method: clinical testing. Allele origin: germline.
Comment: In summary, the available evidence is currently insufficient to determine the role of this variant in disease. Therefore, it has been classified as a Variant of Uncertain Significance. Advanced modeling of protein sequence and biophysical properties (such as structural, functional, and spatial information, amino acid conservation, physicochemical variation, residue mobility, and thermodynamic stability) performed at Invitae indicates that this missense variant is not expected to disrupt PEX1 protein function. ClinVar contains an entry for this variant (Variation ID: 864641). This variant has not been reported in the literature in individuals affected with PEX1-related conditions. This variant is present in population databases (rs758085238, gnomAD 0.003%). This sequence change replaces methionine, which is neutral and non-polar, with valine, which is neutral and non-polar, at codon 584 of the PEX1 protein (p.Met584Val).

Natera, Inc.
Classification: Uncertain significance for Zellweger syndrome. Last evaluated: 2020-09-16. Review status: no assertion criteria provided. Collection method: clinical testing. Allele origin: germline. Not counted in ClinVar's aggregate classification.

Dr. Peter K. Rogan Lab, Western University
No classification provided (evidence only). Condition: Adrenocortical carcinoma, hereditary. Review status: no classification provided. Collection method: in vitro. Allele origin: not applicable. Functional consequence: retained intron. Not counted in ClinVar's aggregate classification.

NM_000466.3(PEX1):c.1750A>G (p.Met584Val)

Gene: PEX1 (peroxisomal biogenesis factor 1; minus strand). Cytogenetic location: 7q21.2.
Variant type: single nucleotide variant.
Coding change: c.1750A>G on transcript NM_000466.3 (MANE Select); coding-DNA position 1750, A replaced by G.
Protein change: p.Met584Val; replaces methionine 584 with valine.
Molecular consequence: missense variant.
Genome position (GRCh38, 1-based): chr7:92,507,047, T>C on the plus strand (A>G on the coding strand, the complement: PEX1 is on the minus strand). VCF-style: chr7-92507047-T-C. GRCh37 (hg19) VCF-style: chr7-92136361-T-C.
Other names: c.1750A>G, p.Met584Val (NM_001282677.2); c.1126A>G, p.Met376Val (NM_001282678.2); short protein forms M584V, M376V.
Identifiers: ClinVar variation 864641 (VCV000864641.7), dbSNP rs758085238, ClinGen allele CA4341310.